The following is an entry in ClinVar:

ClinVar aggregate classification (germline): Uncertain significance. Review status: criteria provided, multiple submitters, no conflicts (2 of 4 stars). 4 submissions from 4 submitters: Uncertain significance (4). Last evaluated 2025-12-20.

Conditions:
Hereditary cancer-predisposing syndrome. Also called: Tumor predisposition; Hereditary Cancer Syndrome; Neoplastic Syndromes, Hereditary; Hereditary neoplastic syndrome. Identifiers: Orphanet 140162, MedGen C0027672, MeSH D009386, MONDO:0015356.
Familial cancer of breast. Also called: Hereditary breast cancer; BREAST CANCER, FAMILIAL; hereditary breast carcinoma. Identifiers: Orphanet 227535, MedGen C0346153, MONDO:0016419, OMIM 114480. Disease mechanism: loss of function.

Allele frequency attached by ClinVar (database versions not stated): TOPMed below 0.00001.
gnomAD v4.1: 1 of 1,614,200 alleles (0.000062%); highest among the groups gnomAD compares: Non-Finnish European, 0.000085%; no homozygotes.

Submissions (4):

Ambry Genetics
Classification: Uncertain significance for Hereditary cancer-predisposing syndrome. Last evaluated: 2025-12-20. Review status: criteria provided, single submitter. Criteria: Ambry Variant Classification Scheme 2023. Collection method: clinical testing. Allele origin: germline.
Comment: The p.T513P variant (also known as c.1537A>C), located in coding exon 4 of the PALB2 gene, results from an A to C substitution at nucleotide position 1537. The threonine at codon 513 is replaced by proline, an amino acid with highly similar properties. This amino acid position is poorly conserved in available vertebrate species. In addition, this alteration is predicted to be tolerated by in silico analysis. Since supporting evidence is limited at this time, the clinical significance of this alteration remains unclear.

Labcorp Genetics (formerly Invitae), Labcorp
Classification: Uncertain significance for Familial cancer of breast. Last evaluated: 2025-12-14. Review status: criteria provided, single submitter. Criteria: Invitae Variant Classification Sherloc (09022015). Collection method: clinical testing. Allele origin: germline.
Comment: This sequence change replaces threonine, which is neutral and polar, with proline, which is neutral and non-polar, at codon 513 of the PALB2 protein (p.Thr513Pro). This variant is not present in population databases (gnomAD no frequency). This missense change has been observed in individual(s) with breast and/or ovarian cancer (PMID: 31159747). ClinVar contains an entry for this variant (Variation ID: 484209). Invitae Evidence Modeling of protein sequence and biophysical properties (such as structural, functional, and spatial information, amino acid conservation, physicochemical variation, residue mobility, and thermodynamic stability) indicates that this missense variant is not expected to disrupt PALB2 protein function with a negative predictive value of 80%. In summary, the available evidence is currently insufficient to determine the role of this variant in disease. Therefore, it has been classified as a Variant of Uncertain Significance.

Color Diagnostics, LLC DBA Color Health
Classification: Uncertain significance for Hereditary cancer-predisposing syndrome. Last evaluated: 2020-10-20. Review status: criteria provided, single submitter. Criteria: ACMG Guidelines, 2015. Collection method: clinical testing. Allele origin: germline.
Comment: This missense variant replaces threonine with proline at codon 513 of the PALB2 protein. Computational prediction is inconclusive regarding the impact of this variant on protein structure and function (internally defined REVEL score threshold 0.5 < inconclusive < 0.7, PMID: 27666373). To our knowledge, functional studies have not been reported for this variant. This variant has not been reported in individuals affected with hereditary cancer in the literature. This variant has not been identified in the general population by the Genome Aggregation Database (gnomAD). The available evidence is insufficient to determine the role of this variant in disease conclusively. Therefore, this variant is classified as a Variant of Uncertain Significance.

GeneKor MSA
Classification: Uncertain significance for Hereditary cancer-predisposing syndrome. Last evaluated: 2018-08-01. Review status: criteria provided, single submitter. Criteria: ACMG Guidelines, 2015. Collection method: clinical testing. Allele origin: germline. Affected: yes.

Literature cited by the submitters: PubMed 31159747 (cited by Labcorp Genetics (formerly Invitae), Labcorp).

NM_024675.4(PALB2):c.1537A>C (p.Thr513Pro)

Gene: PALB2 (partner and localizer of BRCA2; minus strand). Cytogenetic location: 16p12.2.
Variant type: single nucleotide variant.
Coding change: c.1537A>C on transcript NM_024675.4 (MANE Select); coding-DNA position 1537, A replaced by C.
Protein change: p.Thr513Pro; replaces threonine 513 with proline.
Molecular consequence: missense variant.
Genome position (GRCh38, 1-based): chr16:23,635,009, T>G on the plus strand (A>C on the coding strand, the complement: PALB2 is on the minus strand). VCF-style: chr16-23635009-T-G. GRCh37 (hg19) VCF-style: chr16-23646330-T-G.
Other names: short protein forms T513P.
Identifiers: ClinVar variation 484209 (VCV000484209.21), dbSNP rs1060502741, ClinGen allele CA395130909.